The following is an entry in ClinVar:

NM_033380.3(COL4A5):c.2087G>A (p.Gly696Asp)

Gene: COL4A5 (collagen type IV alpha 5 chain; plus strand). Cytogenetic location: Xq22.3.
Variant type: single nucleotide variant.
Coding change: c.2087G>A on transcript NM_033380.3 (MANE Select); coding-DNA position 2087, G replaced by A.
Protein change: p.Gly696Asp; replaces glycine 696 with aspartic acid.
Molecular consequence: missense variant.
Genome position (GRCh38, 1-based): chrX:108,601,930, G>A. VCF-style: chrX-108601930-G-A. GRCh37 (hg19) VCF-style: chrX-107845160-G-A.
Other names: c.2087G>A, p.Gly696Asp (NM_000495.5); short protein forms G696D.
Identifiers: ClinVar variation 1322135 (VCV001322135.11), dbSNP rs2147820991, ClinGen allele CA413846983.
Genomic context (GRCh38, chrX:108,601,930, plus strand): 5'-GCTGTTTCTCCATAGGTGACCCTGGACTTCCAGGGCAACCAGGCTTGCCAGGGATACCTG[G>A]TAGCAAAGGAGAACCAGGTATCCCTGGAATTGGGCTTCCTGGACCACCTGGTCCCAAAGG-3'
Protein context (NP_203699.1, residues 686-706): PGQPGLPGIP[Gly696Asp]SKGEPGIPGI

ClinVar aggregate classification (germline): Pathogenic. Review status: criteria provided, multiple submitters, no conflicts (2 of 4 stars). 2 submissions from 2 submitters: Pathogenic (2). Last evaluated 2021-09-24.

Conditions:
X-linked Alport syndrome (ATS1). Also called: COL4A5-Related Nephropathy; NEPHROPATHY AND DEAFNESS, X-LINKED. Identifiers: Orphanet 63, Orphanet 88917, MedGen C4746986, MONDO:0010520, OMIM 301050.

Submissions (2):

Revvity Omics, Revvity
Classification: Pathogenic for X-linked Alport syndrome. Last evaluated: 2021-09-24. Review status: criteria provided, single submitter. Criteria: ACMG Guidelines, 2015. Collection method: clinical testing. Allele origin: germline.

Labcorp Genetics (formerly Invitae), Labcorp
Classification: Pathogenic. Last evaluated: 2021-03-24. Review status: criteria provided, single submitter. Criteria: Invitae Variant Classification Sherloc (09022015). Collection method: clinical testing. Allele origin: germline.
Comment: For these reasons, this variant has been classified as Pathogenic. This variant disrupts the triple helix domain of COL4A5. Glycine residues within the Gly-Xaa-Yaa repeats of the triple helix domain are required for the structure and stability of fibrillar collagens (PMID: 7695699, 8218237, 19344236). In COL4A5, missense variants at these glycine residues are significantly enriched in individuals with disease (PMID: 23720012, 27627812) compared to the general population (ExAC). Advanced modeling of protein sequence and biophysical properties (such as structural, functional, and spatial information, amino acid conservation, physicochemical variation, residue mobility, and thermodynamic stability) performed at Invitae indicates that this missense variant is expected to disrupt COL4A5 protein function. This variant has been observed in individual(s) with Alport syndrome (PMID: 29270492, Invitae). This variant is not present in population databases (ExAC no frequency). This sequence change replaces glycine with aspartic acid at codon 696 of the COL4A5 protein (p.Gly696Asp). The glycine residue is highly conserved and there is a moderate physicochemical difference between glycine and aspartic acid.

Literature cited by the submitters: PubMed 7695699 (cited by Labcorp Genetics (formerly Invitae), Labcorp); PubMed 8218237 (cited by Labcorp Genetics (formerly Invitae), Labcorp); PubMed 19344236 (cited by Labcorp Genetics (formerly Invitae), Labcorp); PubMed 23720012 (cited by Labcorp Genetics (formerly Invitae), Labcorp); PubMed 27627812 (cited by Labcorp Genetics (formerly Invitae), Labcorp); PubMed 29270492 (cited by Labcorp Genetics (formerly Invitae), Labcorp).